The following is an entry in ClinVar:

ClinVar aggregate classification (germline): Conflicting classifications of pathogenicity. Review status: criteria provided, conflicting classifications (1 of 4 stars). 4 submissions from 4 submitters: Uncertain significance (3); Likely benign (1). Last evaluated 2026-02-01.

Conditions:
Alstrom syndrome (ALMS). Identifiers: Orphanet 64, MedGen C0268425, MONDO:0008763, OMIM 203800.
Cardiovascular phenotype. Identifiers: MedGen CN230736.

gnomAD v4.1: 2 of 1,613,620 alleles (0.00012%); highest among the groups gnomAD compares: Non-Finnish European, 0.00017%; no homozygotes.

Submissions (4):

Labcorp Genetics (formerly Invitae), Labcorp
Classification: Uncertain significance for Alstrom syndrome. Last evaluated: 2026-02-01. Review status: criteria provided, single submitter. Criteria: Invitae Variant Classification Sherloc (09022015). Collection method: clinical testing. Allele origin: germline.
Comment: This sequence change replaces arginine, which is basic and polar, with lysine, which is basic and polar, at codon 2066 of the ALMS1 protein (p.Arg2066Lys). This variant is not present in population databases (gnomAD no frequency). This variant has not been reported in the literature in individuals affected with ALMS1-related conditions. ClinVar contains an entry for this variant (Variation ID: 1409312). Experimental studies and prediction algorithms are not available or were not evaluated, and the functional significance of this variant is currently unknown. In summary, the available evidence is currently insufficient to determine the role of this variant in disease. Therefore, it has been classified as a Variant of Uncertain Significance.

GeneDx
Classification: Uncertain significance. Last evaluated: 2024-09-13. Review status: criteria provided, single submitter. Criteria: GeneDx Variant Classification Process June 2021. Collection method: clinical testing. Allele origin: germline. Affected: yes.
Comment: Not observed at significant frequency in large population cohorts (gnomAD); In silico analysis indicates that this missense variant does not alter protein structure/function; Has not been previously published as pathogenic or benign to our knowledge

Blueprint Genetics
Classification: Likely benign. Last evaluated: 2021-09-26. Review status: criteria provided, single submitter. Criteria: ACMG Guidelines, 2015. Collection method: clinical testing. Allele origin: germline.

Ambry Genetics
Classification: Uncertain significance for Cardiovascular phenotype. Last evaluated: 2020-01-28. Review status: criteria provided, single submitter. Criteria: Ambry Variant Classification Scheme 2023. Collection method: clinical testing. Allele origin: germline.
Comment: The p.R2066K variant (also known as c.6197G>A), located in coding exon 8 of the ALMS1 gene, results from a G to A substitution at nucleotide position 6197. The arginine at codon 2066 is replaced by lysine, an amino acid with highly similar properties. This amino acid position is poorly conserved in available vertebrate species. In addition, this alteration is predicted to be tolerated by in silico analysis. Since supporting evidence is limited at this time, the clinical significance of this alteration remains unclear.

NM_001378454.1(ALMS1):c.6194G>A (p.Arg2065Lys)

Gene: ALMS1 (ALMS1 centrosome and basal body associated protein; plus strand). Cytogenetic location: 2p13.1.
Variant type: single nucleotide variant.
Coding change: c.6194G>A on transcript NM_001378454.1 (MANE Select); coding-DNA position 6194, G replaced by A.
Protein change: p.Arg2065Lys; replaces arginine 2065 with lysine.
Molecular consequence: missense variant.
Genome position (GRCh38, 1-based): chr2:73,452,721, G>A. VCF-style: chr2-73452721-G-A. GRCh37 (hg19) VCF-style: chr2-73679848-G-A.
Other names: c.6197G>A, p.Arg2066Lys (NM_015120.4); short protein forms R2065K, R2066K.
Identifiers: ClinVar variation 1409312 (VCV001409312.8), dbSNP rs2103789247, ClinGen allele CA347285243.
Genomic context (GRCh38, chr2:73,452,721, plus strand): 5'-ATAGTTCCTATTCTCAAACAGTAAAGCCCAATATTTTATTTCAACAGCAGTTGCCAGATA[G>A]AGATCAAAGTAAAGGTATTCTAAAGATTTCAGCTGTCCCTGAACTAACTGATGTGAATAC-3'
Protein context (NP_001365383.1, residues 2055-2075): NILFQQQLPD[Arg2065Lys]DQSKGILKIS